The following is an entry in ClinVar:

ClinVar aggregate classification (germline): Uncertain significance (1 of 4 stars; one submission).

Submission:

Ambry Genetics
Classification: Uncertain significance. Last evaluated: 2021-12-30. Review status: criteria provided, single submitter. Criteria: Ambry Variant Classification Scheme 2023. Collection method: clinical testing. Allele origin: germline.
Comment: The p.E65D variant (also known as c.195G>C), located in coding exon 3 of the NPAT gene, results from a G to C substitution at nucleotide position 195. The glutamic acid at codon 65 is replaced by aspartic acid, an amino acid with highly similar properties. This amino acid position is conserved. In addition, this alteration is predicted to be tolerated by in silico analysis. Since supporting evidence is limited at this time, the clinical significance of this alteration remains unclear.

NM_002519.3(NPAT):c.195G>C (p.Glu65Asp)

Gene: NPAT (nuclear protein, coactivator of histone transcription; minus strand). Cytogenetic location: 11q22.3.
Variant type: single nucleotide variant.
Coding change: c.195G>C on transcript NM_002519.3 (MANE Select); coding-DNA position 195, G replaced by C.
Protein change: p.Glu65Asp; replaces glutamic acid 65 with aspartic acid.
Molecular consequence: missense variant.
Genome position (GRCh38, 1-based): chr11:108,193,979, C>G on the plus strand (G>C on the coding strand, the complement: NPAT is on the minus strand). VCF-style: chr11-108193979-C-G. GRCh37 (hg19) VCF-style: chr11-108064706-C-G.
Other names: c.195G>C, p.Glu65Asp (NM_001321307.1); short protein forms E65D.
Identifiers: ClinVar variation 1783402 (VCV001783402.2), dbSNP rs2496754413, ClinGen allele CA382526812.